The following is an entry in ClinVar:

ClinVar aggregate classification (germline): Uncertain significance (1 of 4 stars; one submission).

Submission:

Labcorp Genetics (formerly Invitae), Labcorp
Classification: Uncertain significance. Last evaluated: 2024-09-11. Review status: criteria provided, single submitter. Criteria: Invitae Variant Classification Sherloc (09022015). Collection method: clinical testing. Allele origin: germline.
Comment: This sequence change replaces lysine, which is basic and polar, with arginine, which is basic and polar, at codon 412 of the POLE protein (p.Lys412Arg). This variant is not present in population databases (gnomAD no frequency). This variant has not been reported in the literature in individuals affected with POLE-related conditions. Invitae Evidence Modeling of protein sequence and biophysical properties (such as structural, functional, and spatial information, amino acid conservation, physicochemical variation, residue mobility, and thermodynamic stability) indicates that this missense variant is not expected to disrupt POLE protein function with a negative predictive value of 80%. In summary, the available evidence is currently insufficient to determine the role of this variant in disease. Therefore, it has been classified as a Variant of Uncertain Significance.

NM_006231.4(POLE):c.1235A>G (p.Lys412Arg)

Gene: POLE (DNA polymerase epsilon, catalytic subunit; minus strand). Cytogenetic location: 12q24.33.
Variant type: single nucleotide variant.
Coding change: c.1235A>G on transcript NM_006231.4 (MANE Select); coding-DNA position 1235, A replaced by G.
Protein change: p.Lys412Arg; replaces lysine 412 with arginine.
Molecular consequence: missense variant.
Genome position (GRCh38, 1-based): chr12:132,673,699, T>C on the plus strand (A>G on the coding strand, the complement: POLE is on the minus strand). VCF-style: chr12-132673699-T-C. GRCh37 (hg19) VCF-style: chr12-133250285-T-C.
Other names: short protein forms K412R.
Identifiers: ClinVar variation 3709021 (VCV003709021.2).
Genomic context (GRCh38, chr12:132,673,699, plus strand): 5'-AGCTTGGCCTTGGCGGCCGCCTTGAGATTATGACTGCCCACAGGAAGGTAACTGTCCCTC[T>C]TCACCCACCTGGAAGGAGAATGAGAACAGAAGCCAGGATGATTCTAACATGCAGCCCGGG-3'
Protein context (NP_006222.2, residues 402-422): CIHMDCLRWV[Lys412Arg]RDSYLPVGSH